The following is an entry in ClinVar:

NM_015102.5(NPHP4):c.1271del (p.Lys424fs)

Gene: NPHP4 (nephrocystin 4; minus strand). Cytogenetic location: 1p36.31.
Variant type: Deletion.
Coding change: c.1271del on transcript NM_015102.5 (MANE Select); coding-DNA position 1271, one base deleted (A; older notation c.1271delA).
Protein change: p.Lys424fs; shifts the reading frame from lysine 424.
Molecular consequence: frameshift variant. On other transcripts: 5 prime UTR variant (2), non-coding transcript variant (1).
Genome position (GRCh38, 1-based): chr1:5,933,178, T deleted on the plus strand (A on the coding strand, the reverse complement: NPHP4 is on the minus strand); the first of 2 consecutive T bases (chr1:5,933,178-5,933,179); deleting either gives the same sequence. VCF-style (leftmost placement, unchanged base first): chr1-5933177-CT-C. GRCh37 (hg19) VCF-style: chr1-5993237-CT-C.
Other names: c.-96del (NM_001291593.2, NM_001291594.2); c.1271del (NM_015102.3); c.1271delA (NM_015102.4); short protein forms K424fs.
Identifiers: ClinVar variation 1073618 (VCV001073618.13), dbSNP rs770306587, ClinGen allele CA554582.
Genomic context (GRCh38, chr1:5,933,177, plus strand): 5'-GAGATGCATAAGAAATACCTAATAATTTACCTCTTCAGAGCTCATGCTGGCTGAGGGTAC[CT>C]TGTAGACCAGACAGTGCGAGGGGTTGGGCTGGATCCCACCCTGCAGAGGCAGGGTCACCC-3'

ClinVar aggregate classification (germline): Pathogenic/Likely pathogenic. Review status: criteria provided, multiple submitters, no conflicts (2 of 4 stars). 6 submissions from 6 submitters: Pathogenic (4); Likely pathogenic (2). Last evaluated 2026-08-10.

Conditions:
NPHP4-related disorder. Also called: NPHP4-related disorders; NPHP4-related condition. Identifiers: MedGen CN239384.
Senior-Loken syndrome 4 (SLSN4). Identifiers: Orphanet 3156, MedGen C1846979, MONDO:0011756, OMIM 606996.
Nephronophthisis 4 (NPHP4). Also called: NEPHRONOPHTHISIS 4, JUVENILE. Identifiers: Orphanet 655, MedGen C1847013, MONDO:0011752, OMIM 606966.
Nephronophthisis. Also called: Juvenile Nephronophthisis. Identifiers: Orphanet 655, MedGen C0687120, MONDO:0019005, HP:0000090.

Submissions (6):

PreventionGenetics, part of Exact Sciences
Classification: Pathogenic for NPHP4-related condition. Last evaluated: 2026-08-10. Review status: criteria provided, single submitter. Criteria: ACMG Guidelines, 2015. Collection method: clinical testing. Allele origin: germline.
Comment: The NPHP4 c.1271delA variant is predicted to result in a frameshift and premature protein termination (p.Lys424Argfs*7). This variant was reported in patients with nephronophthisis-related ciliopathy (Halbritter et al. 2013. PubMed ID: 23559409, König et al. 2022. PubMed ID: 36090483; Otto et al. 2002. PubMed ID: 12205563). This variant is reported in 0.066% of alleles in individuals of African descent in gnomAD. Frameshift variants in NPHP4 are expected to be pathogenic. This variant is interpreted as pathogenic.

GeneDx
Classification: Likely pathogenic. Last evaluated: 2026-02-24. Review status: criteria provided, single submitter. Criteria: GeneDx Variant Classification Process June 2021. Collection method: clinical testing. Allele origin: germline.
Comment: Frameshift variant predicted to result in protein truncation or nonsense mediated decay in a gene for which loss of function is a known mechanism of disease; Observed in large population cohorts (gnomAD; internal data); This variant is associated with the following publications: (PMID: 31964843, 23559409, 36090483, 35372954)

Genetic Services Laboratory, University of Chicago
Classification: Pathogenic. Last evaluated: 2024-05-23. Review status: criteria provided, single submitter. Criteria: ACMG Guidelines, 2015. Collection method: clinical testing. Allele origin: germline. Affected: yes.
Comment: DNA sequence analysis of the NPHP4 gene demonstrated a single base pair deletion in exon 10, c.1271del. This sequence change results in an amino acid frameshift and creates a premature stop codon 6 amino acids downstream of the change, p.Lys424Argfs*7. This sequence change is predicted to result in an abnormal transcript, which may be degraded, or may lead to the production of a truncated NPHP4 protein with potentially abnormal function. This sequence change has been described in the gnomAD database with a frequency of 0.002% in the overall population (dbSNP rs770306587). This pathogenic sequence change has previously been described in the bi-allelic state in individuals with NPHP4-related disorders (PMID: 23559409, 36090483, 31964843). Collectively, this evidence indicates that this sequence change is pathogenic, however functional studies have not been performed to prove this conclusively.

Fulgent Genetics
Classification: Pathogenic for Nephronophthisis 4; Senior-Loken syndrome 4. Last evaluated: 2023-12-20. Review status: criteria provided, single submitter. Criteria: ACMG Guidelines, 2015. Collection method: clinical testing. Allele origin: germline.

Labcorp Genetics (formerly Invitae), Labcorp
Classification: Pathogenic for Nephronophthisis. Last evaluated: 2023-11-27. Review status: criteria provided, single submitter. Criteria: Invitae Variant Classification Sherloc (09022015). Collection method: clinical testing. Allele origin: germline.
Comment: This sequence change creates a premature translational stop signal (p.Lys424Argfs*7) in the NPHP4 gene. It is expected to result in an absent or disrupted protein product. Loss-of-function variants in NPHP4 are known to be pathogenic (PMID: 12205563, 23559409). This variant is present in population databases (rs770306587, gnomAD 0.07%). This premature translational stop signal has been observed in individual(s) with nephronophthisis (PMID: 23559409). ClinVar contains an entry for this variant (Variation ID: 1073618). For these reasons, this variant has been classified as Pathogenic.

Blueprint Genetics
Classification: Likely pathogenic for NPHP4-related disorders. Last evaluated: 2022-09-09. Review status: criteria provided, single submitter. Criteria: ACMG Guidelines, 2015. Collection method: clinical testing. Allele origin: germline. Affected: yes. Observed: 1 variant allele.

Literature cited by the submitters: PubMed 12205563 (cited by Labcorp Genetics (formerly Invitae), Labcorp); PubMed 23559409 (cited by Labcorp Genetics (formerly Invitae), Labcorp).